The following is an entry in ClinVar:

NM_130839.5(UBE3A):c.867G>A (p.Glu289=)

Genes: SNHG14 (small nucleolar RNA host gene 14; plus strand), UBE3A (ubiquitin protein ligase E3A; minus strand). Cytogenetic location: 15q11.2.
Variant type: single nucleotide variant.
Coding change: c.867G>A on transcript NM_130839.5 (MANE Select); coding-DNA position 867, G replaced by A.
Protein change: p.Glu289=; no amino-acid change (glutamic acid 289 retained).
Molecular consequence: synonymous variant. On other transcripts: non-coding transcript variant (1), intron variant (2).
Genome position (GRCh38, 1-based): chr15:25,371,307, C>T on the plus strand (G>A on the coding strand, the complement: UBE3A is on the minus strand). VCF-style: chr15-25371307-C-T. GRCh37 (hg19) VCF-style: chr15-25616454-C-T.
Other names: c.876G>A, p.Glu292= (NM_000462.5); c.867G>A, p.Glu289= (NM_001354505.1, NM_001354538.2, NM_001354545.2); c.807G>A, p.Glu269= (NM_001354506.2, NM_001354507.2, NM_001354508.2 and 17 more transcripts); c.690G>A, p.Glu230= (NM_001354546.2); c.301+4158G>A (NM_001354551.2); c.361+4158G>A (NM_001354550.2).
Identifiers: ClinVar variation 1962618 (VCV001962618.13), dbSNP rs2552191691, ClinGen allele CA489232864.

ClinVar aggregate classification (germline): Likely benign. Review status: criteria provided, multiple submitters, no conflicts (2 of 4 stars). 2 submissions from 2 submitters: Likely benign (2). Last evaluated 2025-07-01.

Conditions:
Angelman syndrome (AS). Also called: HAPPY PUPPET SYNDROME. Identifiers: Orphanet 72, MedGen C0162635, MONDO:0007113, OMIM 105830. Disease mechanism: loss of function. Inheritance: AS is caused by disruption of maternally imprinted UBE3A located within the 15q11.2-q13 Angelman syndrome/Prader-Willi syndrome (AS/PWS) region., imprinting disorder.

Allele frequency attached by ClinVar (database versions not stated): gnomAD exomes below 0.00001.
gnomAD v4.1: 2 of 1,614,126 alleles (0.00012%); highest among the groups gnomAD compares: Non-Finnish European, 0.00017%; no homozygotes.

Submissions (2):

CeGaT Center for Human Genetics Tuebingen
Classification: Likely benign. Last evaluated: 2025-07-01. Review status: criteria provided, single submitter. Criteria: CeGaT Center For Human Genetics Tuebingen Variant Classification Criteria Version 2. Collection method: clinical testing. Allele origin: germline. Affected: yes. Observed: 1 variant allele.
Comment: UBE3A: BP4, BP7

Labcorp Genetics (formerly Invitae), Labcorp
Classification: Likely benign for Angelman syndrome. Last evaluated: 2022-11-19. Review status: criteria provided, single submitter. Criteria: Invitae Variant Classification Sherloc (09022015). Collection method: clinical testing. Allele origin: germline.